The following is an entry in ClinVar:

ClinVar aggregate classification (germline): Uncertain significance (1 of 4 stars; one submission).

Conditions:
RYR1-related disorder. Also called: RYR1-related condition; RYR1-related disorders. Identifiers: MedGen CN239331.

Submission:

Labcorp Genetics (formerly Invitae), Labcorp
Classification: Uncertain significance for RYR1-related disorder. Last evaluated: 2025-09-27. Review status: criteria provided, single submitter. Criteria: Invitae Variant Classification Sherloc (09022015). Collection method: clinical testing. Allele origin: germline.
Comment: This sequence change replaces lysine, which is basic and polar, with arginine, which is basic and polar, at codon 4822 of the RYR1 protein (p.Lys4822Arg). This variant is not present in population databases (gnomAD no frequency). This variant has not been reported in the literature in individuals affected with RYR1-related conditions. Invitae Evidence Modeling of protein sequence and biophysical properties (such as structural, functional, and spatial information, amino acid conservation, physicochemical variation, residue mobility, and thermodynamic stability) indicates that this missense variant is expected to disrupt RYR1 protein function with a positive predictive value of 80%. In summary, the available evidence is currently insufficient to determine the role of this variant in disease. Therefore, it has been classified as a Variant of Uncertain Significance.

NM_000540.3(RYR1):c.14465A>G (p.Lys4822Arg)

Gene: RYR1 (ryanodine receptor 1; plus strand). Cytogenetic location: 19q13.2.
Variant type: single nucleotide variant.
Coding change: c.14465A>G on transcript NM_000540.3 (MANE Select); coding-DNA position 14465, A replaced by G.
Protein change: p.Lys4822Arg; replaces lysine 4822 with arginine.
Molecular consequence: missense variant.
Genome position (GRCh38, 1-based): chr19:38,580,082, A>G. VCF-style: chr19-38580082-A-G. GRCh37 (hg19) VCF-style: chr19-39070722-A-G.
Other names: c.14450A>G, p.Lys4817Arg (NM_001042723.2); short protein forms K4822R, K4817R.
Identifiers: ClinVar variation 4697119 (VCV004697119.1).